The following is an entry in ClinVar:

ClinVar aggregate classification (germline): Pathogenic (1 of 4 stars; one submission).

Submission:

Labcorp Genetics (formerly Invitae), Labcorp
Classification: Pathogenic. Last evaluated: 2024-03-08. Review status: criteria provided, single submitter. Criteria: Invitae Variant Classification Sherloc (09022015). Collection method: clinical testing. Allele origin: germline.
Comment: This sequence change creates a premature translational stop signal (p.Pro9Leufs*42) in the ERCC6L2 gene. It is expected to result in an absent or disrupted protein product. Loss-of-function variants in ERCC6L2 are known to be pathogenic (PMID: 24507776, 27185855, 29146883, 29987015). This variant is not present in population databases (gnomAD no frequency). This variant has not been reported in the literature in individuals affected with ERCC6L2-related conditions. For these reasons, this variant has been classified as Pathogenic.

Literature cited by the submitters: PubMed 24507776; PubMed 27185855; PubMed 29146883; PubMed 29987015.

NM_020207.7(ERCC6L2):c.-8del

Gene: ERCC6L2 (ERCC excision repair 6 like 2; plus strand). Cytogenetic location: 9q22.32.
Variant type: Deletion.
Coding change: c.-8del on transcript NM_020207.7 (MANE Select); 8 bases upstream of the start codon, one base deleted (C; older notation c.-8delC).
Molecular consequence: 5 prime UTR variant. On other transcripts: non-coding transcript variant (1).
Genome position (GRCh38, 1-based): chr9:95,876,031, C deleted; the last of 5 consecutive C bases (chr9:95,876,027-95,876,031); deleting any one gives the same sequence. VCF-style (leftmost placement, unchanged base first): chr9-95876026-TC-T. GRCh37 (hg19) VCF-style: chr9-98638308-TC-T.
Other names: c.-8del (NM_001010895.4, NM_001375291.1, NM_001375292.1 and 2 more transcripts).
Identifiers: ClinVar variation 3692630 (VCV003692630.2).